The following is an entry in ClinVar:

NM_181882.3(PRX):c.140T>C (p.Leu47Pro)

Genes: PRX (periaxin; minus strand), LOC130064454 (ATAC-STARR-seq lymphoblastoid active region 14650; plus strand). Cytogenetic location: 19q13.2.
Variant type: single nucleotide variant.
Coding change: c.140T>C on transcript NM_181882.3 (MANE Select); coding-DNA position 140, T replaced by C.
Protein change: p.Leu47Pro; replaces leucine 47 with proline.
Molecular consequence: missense variant.
Genome position (GRCh38, 1-based): chr19:40,403,750, A>G on the plus strand (T>C on the coding strand, the complement: PRX is on the minus strand). VCF-style: chr19-40403750-A-G. GRCh37 (hg19) VCF-style: chr19-40909657-A-G.
Other names: c.425T>C, p.Leu142Pro (NM_001411127.1); c.140T>C, p.Leu47Pro (NM_020956.2); short protein forms L47P, L142P.
Identifiers: ClinVar variation 2067133 (VCV002067133.4), dbSNP rs1164688478, ClinGen allele CA405901785.

ClinVar aggregate classification (germline): Uncertain significance (1 of 4 stars; one submission).

Conditions:
Charcot-Marie-Tooth disease type 4. Also called: Charcot-Marie-Tooth, Type 4; Charcot-Marie-Tooth disease, type IV. Identifiers: Orphanet 64749, MedGen C4082197, MONDO:0018995.

Allele frequency attached by ClinVar (database versions not stated): TOPMed 0.00001.
gnomAD v4.1: 3 of 1,579,006 alleles (0.00019%); highest among the groups gnomAD compares: Admixed American, 0.0018%; no homozygotes.

Submission:

Labcorp Genetics (formerly Invitae), Labcorp
Classification: Uncertain significance for Charcot-Marie-Tooth disease type 4. Last evaluated: 2024-04-17. Review status: criteria provided, single submitter. Criteria: Invitae Variant Classification Sherloc (09022015). Collection method: clinical testing. Allele origin: germline.
Comment: This sequence change replaces leucine, which is neutral and non-polar, with proline, which is neutral and non-polar, at codon 47 of the PRX protein (p.Leu47Pro). This variant is not present in population databases (gnomAD no frequency). This variant has not been reported in the literature in individuals affected with PRX-related conditions. ClinVar contains an entry for this variant (Variation ID: 2067133). An algorithm developed to predict the effect of missense changes on protein structure and function (PolyPhen-2) suggests that this variant is likely to be disruptive. In summary, the available evidence is currently insufficient to determine the role of this variant in disease. Therefore, it has been classified as a Variant of Uncertain Significance.